The following is an entry in ClinVar:

NM_000350.3(ABCA4):c.2980A>G (p.Ile994Val)

Gene: ABCA4 (ATP binding cassette subfamily A member 4; minus strand). Cytogenetic location: 1p22.1.
Variant type: single nucleotide variant.
Coding change: c.2980A>G on transcript NM_000350.3 (MANE Select); coding-DNA position 2980, A replaced by G.
Protein change: p.Ile994Val; replaces isoleucine 994 with valine.
Molecular consequence: missense variant.
Genome position (GRCh38, 1-based): chr1:94,044,683, T>C on the plus strand (A>G on the coding strand, the complement: ABCA4 is on the minus strand). VCF-style: chr1-94044683-T-C. GRCh37 (hg19) VCF-style: chr1-94510239-T-C.
Other names: c.2758A>G, p.Ile920Val (NM_001425324.1); short protein forms I994V, I920V.
Identifiers: ClinVar variation 839262 (VCV000839262.10), dbSNP rs546606452, ClinGen allele CA958084.

ClinVar aggregate classification (germline): Uncertain significance. Review status: criteria provided, multiple submitters, no conflicts (2 of 4 stars). 2 submissions from 2 submitters: Uncertain significance (2). Last evaluated 2025-05-05.

Conditions:
Retinitis pigmentosa (RP). Identifiers: Orphanet 791, MedGen C0035334, MeSH D012174, MONDO:0019200, OMIM 268000. Inheritance: Autosomal dominant, autosomal recessive and X linked inheritance.

Allele frequency attached by ClinVar (database versions not stated): gnomAD 0.00001; gnomAD exomes 0.00001 and below 0.00001; TOPMed 0.00001; 1000 Genomes Project 30x 0.00016; 1000 Genomes Project 0.00020; ExAC 0.00001.
gnomAD v4.1: 6 of 1,614,198 alleles (0.00037%); highest among the groups gnomAD compares: Admixed American, 0.0083%; no homozygotes.

Submissions (2):

Labcorp Genetics (formerly Invitae), Labcorp
Classification: Uncertain significance. Last evaluated: 2025-05-05. Review status: criteria provided, single submitter. Criteria: Invitae Variant Classification Sherloc (09022015). Collection method: clinical testing. Allele origin: germline.
Comment: This sequence change replaces isoleucine, which is neutral and non-polar, with valine, which is neutral and non-polar, at codon 994 of the ABCA4 protein (p.Ile994Val). This variant is present in population databases (rs546606452, gnomAD 0.009%). This missense change has been observed in individuals with retinal disorders (PMID: 30902645, 35119454; internal data). ClinVar contains an entry for this variant (Variation ID: 839262). Invitae Evidence Modeling of protein sequence and biophysical properties (such as structural, functional, and spatial information, amino acid conservation, physicochemical variation, residue mobility, and thermodynamic stability) has been performed for this missense variant. However, the output from this modeling did not meet the statistical confidence thresholds required to predict the impact of this variant on ABCA4 protein function. In summary, the available evidence is currently insufficient to determine the role of this variant in disease. Therefore, it has been classified as a Variant of Uncertain Significance.

Department of Genetics, Fundacion Jimenez Diaz University Hospital
Classification: Uncertain significance for Retinitis pigmentosa. Review status: criteria provided, single submitter. Criteria: ACMG Guidelines, 2015. Collection method: clinical testing. Allele origin: unknown. Affected: yes.
Comment: This variant is present in population databases (rs546606452, gnomAD_exomes 0.012%). Variant not reported in the literature, predicted deleterious by in-silico pathogenicity predictors. (ACMG: PM2 Moderate; PP3 Supporting)

Literature cited by the submitters: PubMed 30902645 (cited by Labcorp Genetics (formerly Invitae), Labcorp); PubMed 35119454 (cited by Labcorp Genetics (formerly Invitae), Labcorp).